The following is an entry in ClinVar:

ClinVar aggregate classification (germline): Uncertain significance. Review status: criteria provided, multiple submitters, no conflicts (2 of 4 stars). 3 submissions from 3 submitters: Uncertain significance (3). Last evaluated 2025-12-17.

Conditions:
Familial adenomatous polyposis 3. Also called: NTHL1-related attenuated familial adenomatous polyposis; NTHL1-Related Adenomatous Polyposis and Colorectal Cancer; NTHL1 Tumor Syndrome; NTHL1-associated polyposis. Identifiers: Orphanet 220460, Orphanet 454840, MedGen C4225157, MONDO:0014630, OMIM 616415.
Hereditary cancer-predisposing syndrome. Also called: Hereditary Cancer Syndrome; Hereditary neoplastic syndrome; Neoplastic Syndromes, Hereditary; Tumor predisposition. Identifiers: Orphanet 140162, MedGen C0027672, MeSH D009386, MONDO:0015356.

Allele frequency attached by ClinVar (database versions not stated): gnomAD exomes below 0.00001.
gnomAD v4.1: 1 of 1,613,886 alleles (0.000062%); highest among the groups gnomAD compares: African/African-American, 0.0013%; no homozygotes.

Submissions (3):

Labcorp Genetics (formerly Invitae), Labcorp
Classification: Uncertain significance. Last evaluated: 2025-12-17. Review status: criteria provided, single submitter. Criteria: Invitae Variant Classification Sherloc (09022015). Collection method: clinical testing. Allele origin: germline.
Comment: This sequence change replaces glutamic acid, which is acidic and polar, with lysine, which is basic and polar, at codon 268 of the NTHL1 protein (p.Glu268Lys). This variant is not present in population databases (gnomAD no frequency). This variant has not been reported in the literature in individuals affected with NTHL1-related conditions. ClinVar contains an entry for this variant (Variation ID: 1761733). An algorithm developed to predict the effect of missense changes on protein structure and function (PolyPhen-2) suggests that this variant is likely to be tolerated. In summary, the available evidence is currently insufficient to determine the role of this variant in disease. Therefore, it has been classified as a Variant of Uncertain Significance.

Ambry Genetics
Classification: Uncertain significance for Hereditary cancer-predisposing syndrome. Last evaluated: 2023-11-10. Review status: criteria provided, single submitter. Criteria: Ambry Variant Classification Scheme 2023. Collection method: clinical testing. Allele origin: germline.
Comment: The p.E268K variant (also known as c.802G>A), located in coding exon 5 of the NTHL1 gene, results from a G to A substitution at nucleotide position 802. The glutamic acid at codon 268 is replaced by lysine, an amino acid with similar properties. This amino acid position is not well conserved in available vertebrate species. In addition, the in silico prediction for this alteration is inconclusive. Since supporting evidence is limited at this time, the clinical significance of this alteration remains unclear.

Baylor Genetics
Classification: Uncertain significance for Familial adenomatous polyposis 3. Last evaluated: 2023-06-22. Review status: criteria provided, single submitter. Criteria: ACMG Guidelines, 2015. Collection method: clinical testing. Allele origin: unknown.

NM_002528.7(NTHL1):c.778G>A (p.Glu260Lys)

Gene: NTHL1 (nth like DNA glycosylase 1; minus strand). Cytogenetic location: 16p13.3.
Variant type: single nucleotide variant.
Coding change: c.778G>A on transcript NM_002528.7 (MANE Select); coding-DNA position 778, G replaced by A.
Protein change: p.Glu260Lys; replaces glutamic acid 260 with lysine.
Molecular consequence: missense variant.
Genome position (GRCh38, 1-based): chr16:2,040,146, C>T on the plus strand (G>A on the coding strand, the complement: NTHL1 is on the minus strand). VCF-style: chr16-2040146-C-T. GRCh37 (hg19) VCF-style: chr16-2090147-C-T.
Other names: c.607G>A, p.Glu203Lys (NM_001318193.2); c.448G>A, p.Glu150Lys (NM_001318194.2); short protein forms E203K, E260K, E150K.
Identifiers: ClinVar variation 1761733 (VCV001761733.6), dbSNP rs2084241437, ClinGen allele CA394288713.